The following is an entry in ClinVar:

ClinVar aggregate classification (germline): Uncertain significance (1 of 4 stars; one submission).

Conditions:
Dejerine-Sottas disease. Also called: DEJERINE-SOTTAS NEUROPATHY; Charcot-Marie-Tooth disease type 3; HEREDITARY MOTOR AND SENSORY NEUROPATHY TYPE III; HMSN Type III; Hereditary motor and sensory neuropathy 3. Identifiers: Orphanet 64748, MedGen C0011195, MONDO:0007790, OMIM 145900.

Submission:

Baylor Genetics
Classification: Uncertain significance for Dejerine-Sottas disease. Last evaluated: 2019-12-16. Review status: criteria provided, single submitter. Criteria: ACMG Guidelines, 2015. Collection method: clinical testing. Allele origin: unknown. Affected: yes.
Comment: This variant was determined to be of uncertain significance according to ACMG Guidelines, 2015 [PMID:25741868].

NM_181882.3(PRX):c.4330G>C (p.Glu1444Gln)

Gene: PRX (periaxin; minus strand). Cytogenetic location: 19q13.2.
Variant type: single nucleotide variant.
Coding change: c.4330G>C on transcript NM_181882.3 (MANE Select); coding-DNA position 4330, G replaced by C.
Protein change: p.Glu1444Gln; replaces glutamic acid 1444 with glutamine.
Molecular consequence: missense variant. On other transcripts: 3 prime UTR variant (1).
Genome position (GRCh38, 1-based): chr19:40,394,022, C>G on the plus strand (G>C on the coding strand, the complement: PRX is on the minus strand). VCF-style: chr19-40394022-C-G. GRCh37 (hg19) VCF-style: chr19-40899929-C-G.
Other names: c.*4535G>C (NM_020956.2); short protein forms E1444Q.
Identifiers: ClinVar variation 1029319 (VCV001029319.1), dbSNP rs2079403438, ClinGen allele CA405889473.